The following is an entry in ClinVar:

NM_014254.3(RXYLT1):c.246A>C (p.Lys82Asn)

Gene: RXYLT1 (ribitol xylosyltransferase 1; plus strand). Cytogenetic location: 12q14.2.
Variant type: single nucleotide variant.
Coding change: c.246A>C on transcript NM_014254.3 (MANE Select); coding-DNA position 246, A replaced by C.
Protein change: p.Lys82Asn; replaces lysine 82 with asparagine.
Molecular consequence: missense variant. On other transcripts: 5 prime UTR variant (1).
Genome position (GRCh38, 1-based): chr12:63,781,095, A>C. VCF-style: chr12-63781095-A-C. GRCh37 (hg19) VCF-style: chr12-64174875-A-C.
Other names: c.-535A>C (NM_001278237.2); short protein forms K82N.
Identifiers: ClinVar variation 473415 (VCV000473415.10), dbSNP rs1555225967, ClinGen allele CA385584261.

ClinVar aggregate classification (germline): Uncertain significance (1 of 4 stars; one submission).

Submission:

Labcorp Genetics (formerly Invitae), Labcorp
Classification: Uncertain significance. Last evaluated: 2022-06-04. Review status: criteria provided, single submitter. Criteria: Invitae Variant Classification Sherloc (09022015). Collection method: clinical testing. Allele origin: germline.
Comment: This variant has not been reported in the literature in individuals affected with TMEM5-related conditions. In summary, the available evidence is currently insufficient to determine the role of this variant in disease. Therefore, it has been classified as a Variant of Uncertain Significance. Algorithms developed to predict the effect of missense changes on protein structure and function are either unavailable or do not agree on the potential impact of this missense change (SIFT: "Deleterious"; PolyPhen-2: "Possibly Damaging"; Align-GVGD: "Class C0"). ClinVar contains an entry for this variant (Variation ID: 473415). This variant is not present in population databases (gnomAD no frequency). This sequence change replaces lysine, which is basic and polar, with asparagine, which is neutral and polar, at codon 82 of the TMEM5 protein (p.Lys82Asn).